The following is an entry in ClinVar:

NM_001083961.2(WDR62):c.1064C>T (p.Ala355Val)

Gene: WDR62 (WD repeat domain 62; plus strand). Cytogenetic location: 19q13.12.
Variant type: single nucleotide variant.
Coding change: c.1064C>T on transcript NM_001083961.2 (MANE Select); coding-DNA position 1064, C replaced by T.
Protein change: p.Ala355Val; replaces alanine 355 with valine.
Molecular consequence: missense variant.
Genome position (GRCh38, 1-based): chr19:36,073,362, C>T. VCF-style: chr19-36073362-C-T. GRCh37 (hg19) VCF-style: chr19-36564264-C-T.
Other names: c.1064C>T, p.Ala355Val (NM_173636.5); short protein forms A355V.
Identifiers: ClinVar variation 328910 (VCV000328910.11), dbSNP rs764859949, ClinGen allele CA9395472.
Genomic context (GRCh38, chr19:36,073,362, plus strand): 5'-TGACATTGATGGTGATTGATTACCCATGTGGCCTTGTTAGCTTCCTCTTCCACAGGAAGG[C>T]GGAAGCAGTCTACCCAGATACAGTGGCACTGACCTTCGACCCCATCCACCAGTGGCTGTC-3'
Protein context (NP_001077430.1, residues 345-365): LEPSFLFHRK[Ala355Val]EAVYPDTVAL

ClinVar aggregate classification (germline): Uncertain significance. Review status: criteria provided, multiple submitters, no conflicts (2 of 4 stars). 4 submissions from 4 submitters: Uncertain significance (4). Last evaluated 2026-04-21.

Conditions:
Inborn genetic diseases. Identifiers: MedGen C0950123, MeSH D030342.
Microcephaly 2, primary, autosomal recessive, with or without cortical malformations. Also called: MICROCEPHALY 2, PRIMARY, AUTOSOMAL RECESSIVE, WITH CORTICAL MALFORMATIONS; WDR62 Primary Microcephaly. Identifiers: Orphanet 2512, MedGen C1858535, MONDO:0011435, OMIM 604317.

Allele frequency attached by ClinVar (database versions not stated): ExAC 0.00002; gnomAD exomes 0.00002; TOPMed 0.00002; gnomAD 0.00004 and 0.00005.
gnomAD v4.1: 41 of 1,614,140 alleles (0.0025%); highest among the groups gnomAD compares: Non-Finnish European, 0.0031%; no homozygotes.

Submissions (4):

Women's Health and Genetics/Laboratory Corporation of America, LabCorp
Classification: Uncertain significance. Last evaluated: 2026-04-21. Review status: criteria provided, single submitter. Criteria: LabCorp Variant Classification Summary - May 2015. Collection method: clinical testing. Allele origin: germline.
Comment: Variant summary: WDR62 c.1064C>T (p.Ala355Val) results in a non-conservative amino acid change in the encoded protein sequence. Algorithms developed to predict the effect of missense changes on protein structure and function are either unavailable or do not agree on the potential impact of this missense change. The variant allele was found at a frequency of 1.6e-05 in 251400 control chromosomes. The available data on variant occurrences in the general population are insufficient to allow any conclusion about variant significance. To our knowledge, no occurrence of c.1064C>T in individuals affected with WDR62-related conditions and no experimental evidence demonstrating its impact on protein function have been reported. ClinVar contains an entry for this variant (Variation ID: 328910). Based on the evidence outlined above, the variant was classified as uncertain significance.

Ambry Genetics
Classification: Uncertain significance for Inborn genetic diseases. Last evaluated: 2025-10-22. Review status: criteria provided, single submitter. Criteria: Ambry Variant Classification Scheme 2023. Collection method: clinical testing. Allele origin: germline.

Labcorp Genetics (formerly Invitae), Labcorp
Classification: Uncertain significance. Last evaluated: 2025-10-02. Review status: criteria provided, single submitter. Criteria: Invitae Variant Classification Sherloc (09022015). Collection method: clinical testing. Allele origin: germline.
Comment: This sequence change replaces alanine, which is neutral and non-polar, with valine, which is neutral and non-polar, at codon 355 of the WDR62 protein (p.Ala355Val). This variant is present in population databases (rs764859949, gnomAD 0.003%). This variant has not been reported in the literature in individuals affected with WDR62-related conditions. ClinVar contains an entry for this variant (Variation ID: 328910). Invitae Evidence Modeling of protein sequence and biophysical properties (such as structural, functional, and spatial information, amino acid conservation, physicochemical variation, residue mobility, and thermodynamic stability) indicates that this missense variant is not expected to disrupt WDR62 protein function with a negative predictive value of 80%. In summary, the available evidence is currently insufficient to determine the role of this variant in disease. Therefore, it has been classified as a Variant of Uncertain Significance.

Illumina Laboratory Services, Illumina
Classification: Uncertain significance for Microcephaly 2, primary, autosomal recessive, with or without cortical malformations. Last evaluated: 2018-01-13. Review status: criteria provided, single submitter. Criteria: ICSL Variant Classification Criteria 13 December 2019. Collection method: clinical testing. Allele origin: germline.